The following is an entry in ClinVar:

NM_024675.4(PALB2):c.1308G>A (p.Lys436=)

Gene: PALB2 (partner and localizer of BRCA2; minus strand). Cytogenetic location: 16p12.2.
Variant type: single nucleotide variant.
Coding change: c.1308G>A on transcript NM_024675.4 (MANE Select); coding-DNA position 1308, G replaced by A.
Protein change: p.Lys436=; no amino-acid change (lysine 436 retained).
Molecular consequence: synonymous variant. On other transcripts: intron variant (3).
Genome position (GRCh38, 1-based): chr16:23,635,238, C>T on the plus strand (G>A on the coding strand, the complement: PALB2 is on the minus strand). VCF-style: chr16-23635238-C-T. GRCh37 (hg19) VCF-style: chr16-23646559-C-T.
Other names: c.1248G>A, p.Lys416= (NM_001407296.1); c.1308G>A, p.Lys436= (NM_001407297.1, NM_001407298.1, NM_001407299.1 and 3 more transcripts); c.423G>A, p.Lys141= (NM_001407304.1, NM_001407305.1, NM_001407306.1 and 5 more transcripts); c.48+5872G>A (NM_001407314.1); c.-104-4769G>A (NM_001407313.1, NM_001407312.1).
Identifiers: ClinVar variation 5042666 (VCV005042666.1).
Genomic context (GRCh38, chr16:23,635,238, plus strand): 5'-CTCATTGGAAAGGTTTAAATTTTTACTTGCATCCTTATTTTTATTTTTAAACCCTTTTTT[C>T]TTGACATCCAAATGACTCTGAATGACAGCCTCCACGGCTACTTTCCTCTGGCAATTGGAC-3'
Protein context (NP_078951.2, residues 426-446): EAVIQSHLDV[Lys436=]KKGFKNKNKD

ClinVar aggregate classification (germline): Likely benign (1 of 4 stars; one submission).

Conditions:
Breast-ovarian cancer, familial, susceptibility to, 5 (BROVCA5). Identifiers: MedGen C5830615, MONDO:0957530, OMIM 620442.

Submission:

Dasa
Classification: Likely benign for Breast-ovarian cancer, familial, susceptibility to, 5. Last evaluated: 2024-11-21. Review status: criteria provided, single submitter. Criteria: DASA Assertion Criteria. Collection method: clinical testing. Allele origin: germline.
Comment: NM_024675.4(PALB2):c.1308G>A (p.Lys436=) is a synonymous variant predicted not to alter the encoded amino acid sequence. The variant context is inconsistent with a known disease-causing mechanism. Computational prediction algorithms are consistent with a benign effect. Therefore, based on the currently available evidence, this variant is classified as likely benign.